The following is an entry in ClinVar:

NM_152564.5(VPS13B):c.9184-2A>G

Gene: VPS13B (vacuolar protein sorting 13 homolog B; plus strand). Cytogenetic location: 8q22.2.
Variant type: single nucleotide variant.
Coding change: c.9184-2A>G on transcript NM_152564.5 (MANE Select); the canonical splice acceptor site of the intron before coding-DNA position 9184, A replaced by G.
Molecular consequence: splice acceptor variant.
Genome position (GRCh38, 1-based): chr8:99,823,830, A>G. VCF-style: chr8-99823830-A-G. GRCh37 (hg19) VCF-style: chr8-100836058-A-G.
Other names: c.9259-2A>G (NM_017890.5, NM_017890.4).
Identifiers: ClinVar variation 2771197 (VCV002771197.4), dbSNP rs2492027408, ClinGen allele CA371779693.

ClinVar aggregate classification (germline): Likely pathogenic. Review status: criteria provided, multiple submitters, no conflicts (2 of 4 stars). 2 submissions from 2 submitters: Likely pathogenic (2). Last evaluated 2024-01-30.

Conditions:
Cohen syndrome (COH1). Also called: PEPPER SYNDROME; Cutis verticis gyrata, retinitis pigmentosa, and sensorineural deafness. Identifiers: Orphanet 193, MedGen C0265223, MONDO:0008999, OMIM 216550.

Submissions (2):

Fulgent Genetics
Classification: Likely pathogenic for Cohen syndrome. Last evaluated: 2024-01-30. Review status: criteria provided, single submitter. Criteria: ACMG Guidelines, 2015. Collection method: clinical testing. Allele origin: germline.

Labcorp Genetics (formerly Invitae), Labcorp
Classification: Likely pathogenic for Cohen syndrome. Last evaluated: 2023-10-23. Review status: criteria provided, single submitter. Criteria: Invitae Variant Classification Sherloc (09022015). Collection method: clinical testing. Allele origin: germline.
Comment: This sequence change affects an acceptor splice site in intron 50 of the VPS13B gene. It is expected to disrupt RNA splicing. Variants that disrupt the donor or acceptor splice site typically lead to a loss of protein function (PMID: 16199547), and loss-of-function variants in VPS13B are known to be pathogenic (PMID: 15141358, 16648375, 20461111). This variant is not present in population databases (gnomAD no frequency). This variant has not been reported in the literature in individuals affected with VPS13B-related conditions. Algorithms developed to predict the effect of sequence changes on RNA splicing suggest that this variant may disrupt the consensus splice site. In summary, the currently available evidence indicates that the variant is pathogenic, but additional data are needed to prove that conclusively. Therefore, this variant has been classified as Likely Pathogenic.

Literature cited by the submitters: PubMed 16199547 (cited by Labcorp Genetics (formerly Invitae), Labcorp); PubMed 15141358 (cited by Labcorp Genetics (formerly Invitae), Labcorp); PubMed 16648375 (cited by Labcorp Genetics (formerly Invitae), Labcorp); PubMed 20461111 (cited by Labcorp Genetics (formerly Invitae), Labcorp).